The following is an entry in ClinVar:

NM_004991.4(MECOM):c.3320G>A (p.Ser1107Asn)

Gene: MECOM (MDS1 and EVI1 complex locus; minus strand). Cytogenetic location: 3q26.2.
Variant type: single nucleotide variant.
Coding change: c.3320G>A on transcript NM_004991.4 (MANE Select); coding-DNA position 3320, G replaced by A.
Protein change: p.Ser1107Asn; replaces serine 1107 with asparagine.
Molecular consequence: missense variant.
Genome position (GRCh38, 1-based): chr3:169,090,081, C>T on the plus strand (G>A on the coding strand, the complement: MECOM is on the minus strand). VCF-style: chr3-169090081-C-T. GRCh37 (hg19) VCF-style: chr3-168807869-C-T.
Other names: c.2951G>A, p.Ser984Asn (NM_001105077.4); c.2756G>A, p.Ser919Asn (NM_001105078.4, NM_001205194.2, NM_001366469.2 and 1 more transcripts); c.2732G>A, p.Ser911Asn (NM_001163999.2, NM_001366470.2); c.2729G>A, p.Ser910Asn (NM_001164000.2, NM_001366471.2, NM_001366472.2); c.3293G>A, p.Ser1098Asn (NM_001366466.2); c.2759G>A, p.Ser920Asn (NM_001366467.2, NM_001366468.2); c.2321G>A, p.Ser774Asn (NM_001366473.2); c.1757G>A, p.Ser586Asn (NM_001366474.2); short protein forms S586N, S1098N, S1107N, S919N, S920N, S774N, S910N, S984N.
Identifiers: ClinVar variation 4105911 (VCV004105911.1).

ClinVar aggregate classification (germline): Uncertain significance (1 of 4 stars; one submission).

Conditions:
Inborn genetic diseases. Identifiers: MedGen C0950123, MeSH D030342.

gnomAD v4.1: 1 of 1,613,656 alleles (0.000062%); highest among the groups gnomAD compares: Non-Finnish European, 0.000085%; no homozygotes.

Submission:

Ambry Genetics
Classification: Uncertain significance for Inborn genetic diseases. Last evaluated: 2025-09-06. Review status: criteria provided, single submitter. Criteria: Ambry Variant Classification Scheme 2023. Collection method: clinical testing. Allele origin: germline.
Comment: The p.S1107N variant (also known as c.3320G>A), located in coding exon 15 of the MECOM gene, results from a G to A substitution at nucleotide position 3320. The serine at codon 1107 is replaced by asparagine, an amino acid with highly similar properties. This amino acid position is conserved. In addition, this alteration is predicted to be tolerated by in silico analysis. Based on the available evidence, the clinical significance of this variant remains unclear.